The following is an entry in ClinVar:

ClinVar aggregate classification (germline): Uncertain significance (1 of 4 stars; one submission).

gnomAD v4.1: 2 of 1,606,242 alleles (0.00012%); highest among the groups gnomAD compares: Non-Finnish European, 0.00017%; no homozygotes.

Submission:

GeneDx
Classification: Uncertain significance. Last evaluated: 2024-08-18. Review status: criteria provided, single submitter. Criteria: GeneDx Variant Classification Process June 2021. Collection method: clinical testing. Allele origin: germline. Affected: yes.
Comment: Not observed at significant frequency in large population cohorts (gnomAD); In silico analysis supports that this missense variant has a deleterious effect on protein structure/function; Has not been previously published as pathogenic or benign to our knowledge

NM_000486.6(AQP2):c.314A>G (p.His105Arg)

Gene: AQP2 (aquaporin 2; plus strand). Cytogenetic location: 12q13.12.
Variant type: single nucleotide variant.
Coding change: c.314A>G on transcript NM_000486.6 (MANE Select); coding-DNA position 314, A replaced by G.
Protein change: p.His105Arg; replaces histidine 105 with arginine.
Molecular consequence: missense variant.
Genome position (GRCh38, 1-based): chr12:49,951,144, A>G. VCF-style: chr12-49951144-A-G. GRCh37 (hg19) VCF-style: chr12-50344927-A-G.
Other names: short protein forms H105R.
Identifiers: ClinVar variation 3764315 (VCV003764315.1).
Genomic context (GRCh38, chr12:49,951,144, plus strand): 5'-GAGCCGCCTTCTACGTGGCTGCCCAGCTGCTGGGGGCTGTGGCCGGAGCCGCTCTGCTCC[A>G]TGAGATCACGCCAGCAGACATCCGCGGGGACCTGGCTGTCAATGCTGTGAGTAGCCACAA-3'
Protein context (NP_000477.1, residues 95-115): LGAVAGAALL[His105Arg]EITPADIRGD